The following continues an entry in ClinVar:

NM_000059.4(BRCA2):c.5198C>T (p.Ser1733Phe)

Gene: BRCA2. ClinVar aggregate classification (germline): Benign. Benign (1).

Submissions 19 to 36 of 36:

Illumina Laboratory Services, Illumina
Classification: Likely benign for Breast-ovarian cancer, familial, susceptibility to, 2. Last evaluated: 2018-01-13. Review status: criteria provided, single submitter. Criteria: ICSL Variant Classification Criteria 13 December 2019. Collection method: clinical testing. Allele origin: germline. Not counted in ClinVar's aggregate classification.
Comment: This variant was observed as part of a predisposition screen in an ostensibly healthy population. A literature search was performed for the gene, cDNA change, and amino acid change (where applicable). No publications were found based on this search. Allele frequency data from public databases allowed determination this variant is unlikely to cause disease. Therefore, this variant is classified as likely benign.

Genetic Services Laboratory, University of Chicago
Classification: Likely benign. Last evaluated: 2017-06-02. Review status: criteria provided, single submitter. Criteria: ACMG Guidelines, 2015. Collection method: clinical testing. Allele origin: germline. Affected: no. Not counted in ClinVar's aggregate classification.

Institute for Genomic Medicine (IGM) Clinical Laboratory, Nationwide Children's Hospital
Classification: Likely benign. Last evaluated: 2017-05-19. Review status: criteria provided, single submitter. Criteria: ACMG Guidelines, 2015. Collection method: clinical testing. Allele origin: germline. Not counted in ClinVar's aggregate classification.
Comment: BS1,BP4, BP6; This alteration has an allele frequency that is greater than expected for the associated disease, is predicted to be tolerated by multiple functional prediction tools, and was reported as a benign/likely benign alteration by a reputable source (ClinVar or other correspondence from a clinical testing laboratory).

GeneDx
Classification: Benign. Last evaluated: 2017-03-13. Review status: criteria provided, single submitter. Criteria: GeneDx Variant Classification (06012015). Collection method: clinical testing. Allele origin: germline. Affected: yes. Not counted in ClinVar's aggregate classification.
Comment: This variant is considered likely benign or benign based on one or more of the following criteria: it is a conservative change, it occurs at a poorly conserved position in the protein, it is predicted to be benign by multiple in silico algorithms, and/or has population frequency not consistent with disease.

Molecular Genetics Laboratory, University of Michigan
Classification: Likely benign for Breast-ovarian cancer, familial, susceptibility to, 2. Last evaluated: 2016-04-21. Review status: criteria provided, single submitter. Criteria: ACMG Guidelines, 2015. Collection method: clinical testing. Allele origin: germline. Affected: yes. Not counted in ClinVar's aggregate classification.

Color Diagnostics, LLC DBA Color Health
Classification: Likely benign for Hereditary cancer-predisposing syndrome. Last evaluated: 2015-04-24. Review status: criteria provided, single submitter. Criteria: ACMG Guidelines, 2015. Collection method: clinical testing. Allele origin: germline. Not counted in ClinVar's aggregate classification.

Ambry Genetics
Classification: Benign for Hereditary cancer-predisposing syndrome. Last evaluated: 2014-11-19. Review status: criteria provided, single submitter. Criteria: Ambry Variant Classification Scheme 2023. Collection method: clinical testing. Allele origin: germline. Not counted in ClinVar's aggregate classification.

Institute for Biomarker Research, Medical Diagnostic Laboratories, L.L.C.
Classification: Benign for Hereditary breast ovarian cancer syndrome. Last evaluated: 2021-09-27. Review status: no assertion criteria provided. Collection method: clinical testing. Allele origin: germline. Not counted in ClinVar's aggregate classification.

PreventionGenetics, part of Exact Sciences
Classification: Likely benign for BRCA2-related condition. Last evaluated: 2020-02-17. Review status: no assertion criteria provided. Collection method: clinical testing. Allele origin: germline. Not counted in ClinVar's aggregate classification.
Comment: This variant is classified as likely benign based on ACMG/AMP sequence variant interpretation guidelines (Richards et al. 2015 PMID: 25741868, with internal and published modifications).

Mayo Clinic Laboratories, Mayo Clinic
Classification: Likely benign. Last evaluated: 2017-03-29. Review status: no assertion criteria provided. Collection method: clinical testing. Allele origin: unknown. Not counted in ClinVar's aggregate classification.

Counsyl
Classification: Likely benign for Breast-ovarian cancer, familial 2. Last evaluated: 2014-02-28. Review status: no assertion criteria provided. Collection method: literature only. Allele origin: unknown. Inheritance: Autosomal dominant inheritance. Not counted in ClinVar's aggregate classification.

Biesecker Lab/Clinical Genomics Section, National Institutes of Health
Classification: Uncertain significance. Last evaluated: 2012-07-13. Review status: no assertion criteria provided. Collection method: research. Allele origin: germline. Affected: no. Observed: 2 variant alleles. Study: ClinSeq. Not counted in ClinVar's aggregate classification.
ClinVar note: Converted during submission from variant of unknown significance to Uncertain significance.

Sharing Clinical Reports Project (SCRP)
Classification: Likely benign for Breast-ovarian cancer, familial 2. Last evaluated: 2008-02-11. Review status: no assertion criteria provided. Collection method: clinical testing. Allele origin: germline. Not counted in ClinVar's aggregate classification.

Breast Cancer Information Core (BIC) (BRCA2)
Classification: Uncertain significance for Breast-ovarian cancer, familial 2. Last evaluated: 2002-05-29. Review status: no assertion criteria provided. Collection method: clinical testing. Allele origin: germline. Affected: yes. Observed: 34 variant alleles. Not counted in ClinVar's aggregate classification.

Clinical Genetics DNA and cytogenetics Diagnostics Lab, Erasmus MC, Erasmus Medical Center
Classification: Benign. Review status: no assertion criteria provided. Collection method: clinical testing. Allele origin: germline. Affected: yes. Study: VKGL Data-share Consensus. Not counted in ClinVar's aggregate classification.

Department of Pathology and Laboratory Medicine, Sinai Health System
Classification: Benign for Malignant tumor of breast. Review status: no assertion criteria provided. Collection method: clinical testing. Allele origin: unknown. Affected: yes. Observed: 1 variant allele. Study: The Canadian Open Genetics Repository (COGR). Not counted in ClinVar's aggregate classification.
Comment: The p.Ser1733Phe variant has been reported in the literature in 1 of 1410 proband chromosomes (f=0.001) of young women with contralateral breast cancer, and in no chromosomes of young women with unilateral breast cancer chromosomes in this study (n=2796) (Borg 2010). In literature, it is also considered a â€šÃ„Ãºwell-documented missense polymorphismâ€šÃ„Ã¹ (Hearle 2003) with high odds in favour of neutrality (Easton 2007). This variant has been observed in the UMD (4x) database as a neutral polymorphism, and is listed in the CNPHI database with ACMG category 5. It is also listed in dbSNP (ID# rs55639415) as a single nucleotide variation with a minor allele frequency of 0.002 having been observed in 4 chromosomes (1000 Genomes). This variant has been reported in the EVS with a minor allele frequency of 0.001. This residue is conserved in mammals; however, computational analyses (PolyPhen, SIFT, AlignGVGD, BLOSUM) provide inconsistent predictions regarding the impact to the protein and this information is not very predictive of pathogenicity. In summary, based on the above information, this variant is classified as Benign.

Diagnostic Laboratory, Department of Genetics, University Medical Center Groningen
Classification: Likely benign. Review status: no assertion criteria provided. Collection method: clinical testing. Allele origin: germline. Affected: yes. Study: VKGL Data-share Consensus. Not counted in ClinVar's aggregate classification.

Joint Genome Diagnostic Labs from Nijmegen and Maastricht, Radboudumc and MUMC+
Classification: Likely benign. Review status: no assertion criteria provided. Collection method: clinical testing. Allele origin: germline. Affected: yes. Study: VKGL Data-share Consensus. Not counted in ClinVar's aggregate classification.

Literature cited by the submitters: PubMed 21990134 (cited by Evidence-based Network for the Interpretation of Germline Mutant Alleles (ENIGMA)); DOI 10.3389/fgene.2022.834265 (cited by National Health Laboratory Service, Universitas Academic Hospital and University of the Free State); PubMed 17924331 (cited by Counsyl); PubMed 20104584 (cited by Counsyl).